The following is an entry in ClinVar:

ClinVar aggregate classification (germline): Likely benign (0 of 4 stars; one submission).

Conditions:
DCC-related disorder. Also called: DCC-related condition.

Allele frequency attached by ClinVar (database versions not stated): TOPMed below 0.00001; gnomAD exomes 0.00001.
gnomAD v4.1: 9 of 1,613,916 alleles (0.00056%); highest among the groups gnomAD compares: African/African-American, 0.0013%; no homozygotes.

Submission:

PreventionGenetics, part of Exact Sciences
Classification: Likely benign for DCC-related condition. Last evaluated: 2024-02-19. Review status: no assertion criteria provided. Collection method: clinical testing. Allele origin: germline.
Comment: This variant is classified as likely benign based on ACMG/AMP sequence variant interpretation guidelines (Richards et al. 2015 PMID: 25741868, with internal and published modifications).

NM_005215.4(DCC):c.2310G>A (p.Glu770=)

Gene: DCC (DCC netrin 1 receptor; plus strand). Cytogenetic location: 18q21.2.
Variant type: single nucleotide variant.
Coding change: c.2310G>A on transcript NM_005215.4 (MANE Select); coding-DNA position 2310, G replaced by A.
Protein change: p.Glu770=; no amino-acid change (glutamic acid 770 retained).
Molecular consequence: synonymous variant.
Genome position (GRCh38, 1-based): chr18:53,339,858, G>A. VCF-style: chr18-53339858-G-A. GRCh37 (hg19) VCF-style: chr18-50866228-G-A.
Identifiers: ClinVar variation 3031025 (VCV003031025.2), dbSNP rs2057635650, ClinGen allele CA503878136.
Genomic context (GRCh38, chr18:53,339,858, plus strand): 5'-CCCAAACATCGTGGTGCGAGGTTATATTATCGGTTATGGCGTTGGGAGCCCTTACGCTGA[G>A]ACAGTGCGTGTGGACAGCAAGCAGCGATATTATTCCATTGAGAGGTTAGGTGAGTATCTG-3'
Protein context (NP_005206.2, residues 760-780): IGYGVGSPYA[Glu770=]TVRVDSKQRY